The following is an entry in ClinVar:

ClinVar aggregate classification (germline): Conflicting classifications of pathogenicity. Review status: criteria provided, conflicting classifications (1 of 4 stars). 5 submissions from 5 submitters: Uncertain significance (1); Benign (1); Likely benign (1). 2 of the submissions do not count toward it. Last evaluated 2026-02-03.

Conditions:
TH-related disorder. Also called: TH-related condition.
TH-deficient dopa-responsive dystonia. Also called: DYT-TH; Segawa syndrome, autosomal recessive; Tyrosine Hydroxylase-Deficient Dopa-Responsive Dystonia. Identifiers: Orphanet 101150, MedGen C2673535, MONDO:0011551, OMIM 605407.

Allele frequency attached by ClinVar (database versions not stated): gnomAD 0.00007; gnomAD exomes 0.00019 and 0.00038; TOPMed 0.00024; ExAC 0.00027.
gnomAD v4.1: 126 of 1,613,232 alleles (0.0078%); highest among the groups gnomAD compares: Admixed American, 0.21%; no homozygotes.

Submissions (5):

Labcorp Genetics (formerly Invitae), Labcorp
Classification: Benign for TH-deficient dopa-responsive dystonia. Last evaluated: 2026-02-03. Review status: criteria provided, single submitter. Criteria: Invitae Variant Classification Sherloc (09022015). Collection method: clinical testing. Allele origin: germline.

Blueprint Genetics
Classification: Likely benign. Last evaluated: 2024-08-16. Review status: criteria provided, single submitter. Criteria: ACMG Guidelines, 2015. Collection method: clinical testing. Allele origin: germline.

Illumina Laboratory Services, Illumina
Classification: Uncertain significance for TH-deficient dopa-responsive dystonia. Last evaluated: 2018-01-13. Review status: criteria provided, single submitter. Criteria: ICSL Variant Classification Criteria 13 December 2019. Collection method: clinical testing. Allele origin: germline.

PreventionGenetics, part of Exact Sciences
Classification: Likely benign for TH-related condition. Last evaluated: 2024-01-08. Review status: no assertion criteria provided. Collection method: clinical testing. Allele origin: germline. Not counted in ClinVar's aggregate classification.
Comment: This variant is classified as likely benign based on ACMG/AMP sequence variant interpretation guidelines (Richards et al. 2015 PMID: 25741868, with internal and published modifications).

Natera, Inc.
Classification: Likely benign for Autosomal recessive Segawa syndrome. Last evaluated: 2019-10-24. Review status: no assertion criteria provided. Collection method: clinical testing. Allele origin: germline. Not counted in ClinVar's aggregate classification.

NM_000360.4(TH):c.252G>A (p.Leu84=)

Gene: TH (tyrosine hydroxylase; minus strand). Cytogenetic location: 11p15.5.
Variant type: single nucleotide variant.
Coding change: c.252G>A on transcript NM_000360.4 (MANE Select); coding-DNA position 252, G replaced by A.
Protein change: p.Leu84=; no amino-acid change (leucine 84 retained).
Molecular consequence: synonymous variant.
Genome position (GRCh38, 1-based): chr11:2,169,710, C>T on the plus strand (G>A on the coding strand, the complement: TH is on the minus strand). VCF-style: chr11-2169710-C-T. GRCh37 (hg19) VCF-style: chr11-2190940-C-T.
Other names: c.345G>A, p.Leu115= (NM_199292.3); c.333G>A, p.Leu111= (NM_199293.3).
Identifiers: ClinVar variation 304084 (VCV000304084.23), dbSNP rs758016812, ClinGen allele CA5818749.